The following is an entry in ClinVar:

NM_005523.6(HOXA11):c.559C>T (p.Pro187Ser)

Genes: HOXA11 (homeobox A11; minus strand), LOC107126281 (NUP98-HOXA11 recombination region; plus strand). Cytogenetic location: 7p15.2.
Variant type: single nucleotide variant.
Coding change: c.559C>T on transcript NM_005523.6 (MANE Select); coding-DNA position 559, C replaced by T.
Protein change: p.Pro187Ser; replaces proline 187 with serine.
Molecular consequence: missense variant.
Genome position (GRCh38, 1-based): chr7:27,184,586, G>A on the plus strand (C>T on the coding strand, the complement: HOXA11 is on the minus strand). VCF-style: chr7-27184586-G-A. GRCh37 (hg19) VCF-style: chr7-27224205-G-A.
Other names: short protein forms P187S.
Identifiers: ClinVar variation 4995744 (VCV004995744.1).

ClinVar aggregate classification (germline): Uncertain significance (1 of 4 stars; one submission).

Conditions:
HOXA11-related disorder. Also called: HOXA11-related condition.

Submission:

PreventionGenetics, part of Exact Sciences
Classification: Uncertain significance for HOXA11-related condition. Last evaluated: 2025-12-06. Review status: criteria provided, single submitter. Criteria: ACMG Guidelines, 2015. Collection method: clinical testing. Allele origin: germline.
Comment: The HOXA11 c.559C>T variant is predicted to result in the amino acid substitution p.Pro187Ser. To our knowledge, this variant has not been reported in the literature or in a large population database (gnomAD), indicating this variant is rare. At this time, the clinical significance of this variant is uncertain due to the absence of conclusive functional and genetic evidence.